The following is an entry in ClinVar:

NM_015164.4(PLEKHM2):c.890A>C (p.Glu297Ala)

Gene: PLEKHM2 (pleckstrin homology and RUN domain containing M2; plus strand). Cytogenetic location: 1p36.21.
Variant type: single nucleotide variant.
Coding change: c.890A>C on transcript NM_015164.4 (MANE Select); coding-DNA position 890, A replaced by C.
Protein change: p.Glu297Ala; replaces glutamic acid 297 with alanine.
Molecular consequence: missense variant.
Genome position (GRCh38, 1-based): chr1:15,725,494, A>C. VCF-style: chr1-15725494-A-C. GRCh37 (hg19) VCF-style: chr1-16051989-A-C.
Other names: c.890A>C (NM_015164.2); short protein forms E297A.
Identifiers: ClinVar variation 1034717 (VCV001034717.10), dbSNP rs750549299, ClinGen allele CA616793.
Genomic context (GRCh38, chr1:15,725,494, plus strand): 5'-CAGAGACTGTGTCCTCCTCTGACACCACCCCCGTGCACACCACCTCTCAGGAGAAGGAGG[A>C]GGCCCAGGCCCTGGACCCGCCGGATGCCTGCACGGAGCTCGAGGTCATCAGGTCAGCAGG-3'
Protein context (NP_055979.2, residues 287-307): PVHTTSQEKE[Glu297Ala]AQALDPPDAC

ClinVar aggregate classification (germline): Uncertain significance. Review status: criteria provided, multiple submitters, no conflicts (2 of 4 stars). 3 submissions from 3 submitters: Uncertain significance (3). Last evaluated 2025-07-22.

Conditions:
PLEKHM2-related disorder. Also called: PLEKHM2-related condition.

Allele frequency attached by ClinVar (database versions not stated): ExAC below 0.00001; gnomAD 0.00001; TOPMed 0.00002; gnomAD exomes 0.00003.
gnomAD v4.1: 8 of 1,580,618 alleles (0.00051%); highest among the groups gnomAD compares: East Asian, 0.0094%; no homozygotes.

Submissions (3):

Labcorp Genetics (formerly Invitae), Labcorp
Classification: Uncertain significance. Last evaluated: 2025-07-22. Review status: criteria provided, single submitter. Criteria: Invitae Variant Classification Sherloc (09022015). Collection method: clinical testing. Allele origin: germline.
Comment: This sequence change replaces glutamic acid, which is acidic and polar, with alanine, which is neutral and non-polar, at codon 297 of the PLEKHM2 protein (p.Glu297Ala). This variant is present in population databases (rs750549299, gnomAD 0.02%). This variant has not been reported in the literature in individuals affected with PLEKHM2-related conditions. ClinVar contains an entry for this variant (Variation ID: 1034717). An algorithm developed to predict the effect of missense changes on protein structure and function (PolyPhen-2) suggests that this variant is likely to be tolerated. In summary, the available evidence is currently insufficient to determine the role of this variant in disease. Therefore, it has been classified as a Variant of Uncertain Significance.

Ambry Genetics
Classification: Uncertain significance. Last evaluated: 2025-05-23. Review status: criteria provided, single submitter. Criteria: Ambry Variant Classification Scheme 2023. Collection method: clinical testing. Allele origin: germline.

PreventionGenetics, part of Exact Sciences
Classification: Uncertain significance for PLEKHM2-related condition. Last evaluated: 2023-07-18. Review status: criteria provided, single submitter. Criteria: ACMG Guidelines, 2015. Collection method: clinical testing. Allele origin: germline.
Comment: The PLEKHM2 c.890A>C variant is predicted to result in the amino acid substitution p.Glu297Ala. To our knowledge, this variant has not been reported in the literature. This variant is reported in 0.019% of alleles in individuals of East Asian descent in gnomAD. At this time, the clinical significance of this variant is uncertain due to the absence of conclusive functional and genetic evidence.